The following is an entry in ClinVar:

NM_000260.4(MYO7A):c.4610G>A (p.Gly1537Asp)

Gene: MYO7A (myosin VIIA; plus strand). Cytogenetic location: 11q13.5.
Variant type: single nucleotide variant.
Coding change: c.4610G>A on transcript NM_000260.4 (MANE Select); coding-DNA position 4610, G replaced by A.
Protein change: p.Gly1537Asp; replaces glycine 1537 with aspartic acid.
Molecular consequence: missense variant. On other transcripts: intron variant (2).
Genome position (GRCh38, 1-based): chr11:77,199,576, G>A. VCF-style: chr11-77199576-G-A. GRCh37 (hg19) VCF-style: chr11-76910621-G-A.
Other names: c.4536-73G>A (NM_001369365.1); c.4569-73G>A (NM_001127180.2); short protein forms G1537D.
Identifiers: ClinVar variation 2016660 (VCV002016660.4), dbSNP rs2497588425, ClinGen allele CA381950572.

ClinVar aggregate classification (germline): Uncertain significance (1 of 4 stars; one submission).

Allele frequency attached by ClinVar (database versions not stated): gnomAD exomes below 0.00001.
gnomAD v4.1: 2 of 1,557,116 alleles (0.00013%); highest among the groups gnomAD compares: Non-Finnish European, 0.00017%; no homozygotes.

Submission:

Labcorp Genetics (formerly Invitae), Labcorp
Classification: Uncertain significance. Last evaluated: 2022-07-13. Review status: criteria provided, single submitter. Criteria: Invitae Variant Classification Sherloc (09022015). Collection method: clinical testing. Allele origin: germline.
Comment: In summary, the available evidence is currently insufficient to determine the role of this variant in disease. Therefore, it has been classified as a Variant of Uncertain Significance. Advanced modeling of protein sequence and biophysical properties (such as structural, functional, and spatial information, amino acid conservation, physicochemical variation, residue mobility, and thermodynamic stability) performed at Invitae indicates that this missense variant is not expected to disrupt MYO7A protein function. This variant has not been reported in the literature in individuals affected with MYO7A-related conditions. This variant is not present in population databases (gnomAD no frequency). This sequence change replaces glycine, which is neutral and non-polar, with aspartic acid, which is acidic and polar, at codon 1537 of the MYO7A protein (p.Gly1537Asp).